The following is an entry in ClinVar:

NM_001354604.2(MITF):c.339G>A (p.Pro113=)

Gene: MITF (melanocyte inducing transcription factor; plus strand). Cytogenetic location: 3p13.
Variant type: single nucleotide variant.
Coding change: c.339G>A on transcript NM_001354604.2 (MANE Select); coding-DNA position 339, G replaced by A.
Protein change: p.Pro113=; no amino-acid change (proline 113 retained).
Molecular consequence: synonymous variant.
Genome position (GRCh38, 1-based): chr3:69,879,368, G>A. VCF-style: chr3-69879368-G-A. GRCh37 (hg19) VCF-style: chr3-69928519-G-A.
Other names: c.183G>A, p.Pro61= (NM_001184967.2, NM_001354608.2); c.336G>A, p.Pro112= (NM_001354605.2, NM_001354606.2, NM_006722.3); c.288G>A, p.Pro96= (NM_001354607.2); c.339G>A, p.Pro113= (NM_198159.3); c.291G>A, p.Pro97= (NM_198177.3).
Identifiers: ClinVar variation 3030392 (VCV003030392.2), dbSNP rs777844672, ClinGen allele CA2490297.
Genomic context (GRCh38, chr3:69,879,368, plus strand): 5'-TCAGACACCAGCCATAAACGTCAGTGTGCCCACCACCCTTCCCTCTGCCACGCAGGTGCC[G>A]ATGGAAGTCCTTAAGGTACGTGAGTGTTGCTCTTGTTGGTTGGACCAAACTCTCTTCCAT-3'
Protein context (NP_001341533.1, residues 103-123): PTTLPSATQV[Pro113=]MEVLKVQTHL

ClinVar aggregate classification (germline): Likely benign (0 of 4 stars; one submission).

Conditions:
MITF-related disorder. Also called: MITF-related condition.

Allele frequency attached by ClinVar (database versions not stated): ExAC 0.00002; TOPMed 0.00002; gnomAD 0.00002.
gnomAD v4.1: 29 of 1,614,044 alleles (0.0018%); highest among the groups gnomAD compares: East Asian, 0.045%; no homozygotes.

Submission:

PreventionGenetics, part of Exact Sciences
Classification: Likely benign for MITF-related condition. Last evaluated: 2021-03-16. Review status: no assertion criteria provided. Collection method: clinical testing. Allele origin: germline.
Comment: This variant is classified as likely benign based on ACMG/AMP sequence variant interpretation guidelines (Richards et al. 2015 PMID: 25741868, with internal and published modifications).